The following is an entry in ClinVar:

ClinVar aggregate classification (germline): Uncertain significance. Review status: criteria provided, multiple submitters, no conflicts (2 of 4 stars). 2 submissions from 2 submitters: Uncertain significance (2). Last evaluated 2025-12-02.

gnomAD v4.1: 22 of 1,610,052 alleles (0.0014%); highest among the groups gnomAD compares: Non-Finnish European, 0.00085%; no homozygotes.

Submissions (2):

Ambry Genetics
Classification: Uncertain significance. Last evaluated: 2025-12-02. Review status: criteria provided, single submitter. Criteria: Ambry Variant Classification Scheme 2023. Collection method: clinical testing. Allele origin: germline.

Labcorp Genetics (formerly Invitae), Labcorp
Classification: Uncertain significance. Last evaluated: 2024-10-02. Review status: criteria provided, single submitter. Criteria: Invitae Variant Classification Sherloc (09022015). Collection method: clinical testing. Allele origin: germline.
Comment: This sequence change replaces cysteine, which is neutral and slightly polar, with tyrosine, which is neutral and polar, at codon 1041 of the NYNRIN protein (p.Cys1041Tyr). This variant is present in population databases (rs761411228, gnomAD 0.03%). This variant has not been reported in the literature in individuals affected with NYNRIN-related conditions. Experimental studies and prediction algorithms are not available or were not evaluated, and the functional significance of this variant is currently unknown. In summary, the available evidence is currently insufficient to determine the role of this variant in disease. Therefore, it has been classified as a Variant of Uncertain Significance.

NM_025081.3(NYNRIN):c.3122G>A (p.Cys1041Tyr)

Gene: NYNRIN (NYN domain and retroviral integrase containing; plus strand). Cytogenetic location: 14q12.
Variant type: single nucleotide variant.
Coding change: c.3122G>A on transcript NM_025081.3 (MANE Select); coding-DNA position 3122, G replaced by A.
Protein change: p.Cys1041Tyr; replaces cysteine 1041 with tyrosine.
Molecular consequence: missense variant.
Genome position (GRCh38, 1-based): chr14:24,414,871, G>A. VCF-style: chr14-24414871-G-A. GRCh37 (hg19) VCF-style: chr14-24884077-G-A.
Other names: c.3122G>A (NM_025081.2); short protein forms C1041Y.
Identifiers: ClinVar variation 3714127 (VCV003714127.3).